The following is an entry in ClinVar:

NM_020937.4(FANCM):c.3223T>G (p.Ser1075Ala)

Gene: FANCM (FA complementation group M; plus strand). Cytogenetic location: 14q21.2.
Variant type: single nucleotide variant.
Coding change: c.3223T>G on transcript NM_020937.4 (MANE Select); coding-DNA position 3223, T replaced by G.
Protein change: p.Ser1075Ala; replaces serine 1075 with alanine.
Molecular consequence: missense variant.
Genome position (GRCh38, 1-based): chr14:45,175,977, T>G. VCF-style: chr14-45175977-T-G. GRCh37 (hg19) VCF-style: chr14-45645180-T-G.
Other names: c.3145T>G, p.Ser1049Ala (NM_001308133.2); short protein forms S1075A, S1049A.
Identifiers: ClinVar variation 4022858 (VCV004022858.1).

ClinVar aggregate classification (germline): Uncertain significance (1 of 4 stars; one submission).

Conditions:
Inborn genetic diseases. Identifiers: MedGen C0950123, MeSH D030342.

Submission:

Ambry Genetics
Classification: Uncertain significance for Inborn genetic diseases. Last evaluated: 2025-06-06. Review status: criteria provided, single submitter. Criteria: Ambry Variant Classification Scheme 2023. Collection method: clinical testing. Allele origin: germline.
Comment: The p.S1075A variant (also known as c.3223T>G), located in coding exon 14 of the FANCM gene, results from a T to G substitution at nucleotide position 3223. The serine at codon 1075 is replaced by alanine, an amino acid with similar properties. This amino acid position is conserved. In addition, this alteration is predicted to be tolerated by in silico analysis. Based on the available evidence, the clinical significance of this variant remains unclear.